The following is an entry in ClinVar:

ClinVar aggregate classification (germline): Uncertain significance (1 of 4 stars; one submission).

Submission:

GeneDx
Classification: Uncertain significance. Last evaluated: 2021-10-04. Review status: criteria provided, single submitter. Criteria: GeneDx Variant Classification Process June 2021. Collection method: clinical testing. Allele origin: germline. Affected: yes.
Comment: Has not been previously published as pathogenic or benign to our knowledge; In silico analysis supports that this missense variant does not alter protein structure/function; Not observed at significant frequency in large population cohorts (gnomAD)

NM_152296.5(ATP1A3):c.286A>T (p.Ile96Phe)

Gene: ATP1A3 (ATPase Na+/K+ transporting subunit alpha 3; minus strand). Cytogenetic location: 19q13.2.
Variant type: single nucleotide variant.
Coding change: c.286A>T on transcript NM_152296.5 (MANE Select); coding-DNA position 286, A replaced by T.
Protein change: p.Ile96Phe; replaces isoleucine 96 with phenylalanine.
Molecular consequence: missense variant.
Genome position (GRCh38, 1-based): chr19:41,988,007, T>A on the plus strand (A>T on the coding strand, the complement: ATP1A3 is on the minus strand). VCF-style: chr19-41988007-T-A. GRCh37 (hg19) VCF-style: chr19-42492159-T-A.
Other names: c.319A>T, p.Ile107Phe (NM_001256213.2); c.325A>T, p.Ile109Phe (NM_001256214.2); short protein forms I107F, I109F, I96F.
Identifiers: ClinVar variation 4072472 (VCV004072472.1).